The following is an entry in ClinVar:

NM_019032.6(ADAMTSL4):c.1153G>C (p.Asp385His)

Genes: ADAMTSL4 (ADAMTS like 4; plus strand), ADAMTSL4-AS2 (ADAMTSL4 antisense RNA 2; minus strand). Cytogenetic location: 1q21.2.
Variant type: single nucleotide variant.
Coding change: c.1153G>C on transcript NM_019032.6 (MANE Select); coding-DNA position 1153, G replaced by C.
Protein change: p.Asp385His; replaces aspartic acid 385 with histidine.
Molecular consequence: missense variant.
Genome position (GRCh38, 1-based): chr1:150,554,386, G>C. VCF-style: chr1-150554386-G-C. GRCh37 (hg19) VCF-style: chr1-150526862-G-C.
Other names: c.1153G>C, p.Asp385His (NM_001288607.2, NM_001288608.2, NM_001378596.1 and 1 more transcripts); short protein forms D385H.
Identifiers: ClinVar variation 2039316 (VCV002039316.4), dbSNP rs1485694391, ClinGen allele CA342304441.
Genomic context (GRCh38, chr1:150,554,386, plus strand): 5'-TGCTCCCCAGCTCTGACTCCTTTGTACCCCTCACCGCAGCCCTGCCCCCCTGAGCAGCCA[G>C]ACCCCCGGGCCCTGCAGTGCGCAGCCTTTAACTCCCAGGAATTCATGGGCCAGCTGTATC-3'
Protein context (NP_061905.2, residues 375-395): SQAPCPPEQP[Asp385His]PRALQCAAFN

ClinVar aggregate classification (germline): Uncertain significance (1 of 4 stars; one submission).

Allele frequency attached by ClinVar (database versions not stated): TOPMed below 0.00001; gnomAD 0.00001.
gnomAD v4.1: 1 of 1,613,420 alleles (0.000062%); highest among the groups gnomAD compares: African/African-American, 0.0013%; no homozygotes.

Submission:

Labcorp Genetics (formerly Invitae), Labcorp
Classification: Uncertain significance. Last evaluated: 2021-12-10. Review status: criteria provided, single submitter. Criteria: Invitae Variant Classification Sherloc (09022015). Collection method: clinical testing. Allele origin: germline.
Comment: In summary, the available evidence is currently insufficient to determine the role of this variant in disease. Therefore, it has been classified as a Variant of Uncertain Significance. Algorithms developed to predict the effect of missense changes on protein structure and function (SIFT, PolyPhen-2, Align-GVGD) all suggest that this variant is likely to be disruptive. This variant has not been reported in the literature in individuals affected with ADAMTSL4-related conditions. This variant is not present in population databases (gnomAD no frequency). This sequence change replaces aspartic acid, which is acidic and polar, with histidine, which is basic and polar, at codon 385 of the ADAMTSL4 protein (p.Asp385His).